The following is an entry in ClinVar:

ClinVar aggregate classification (germline): Uncertain significance (1 of 4 stars; one submission).

Conditions:
Tuberous sclerosis 1 (TSC1). Identifiers: Orphanet 805, MedGen C1854465, MONDO:0008612, OMIM 191100.

Submission:

Labcorp Genetics (formerly Invitae), Labcorp
Classification: Uncertain significance for Tuberous sclerosis 1. Last evaluated: 2021-04-17. Review status: criteria provided, single submitter. Criteria: Invitae Variant Classification Sherloc (09022015). Collection method: clinical testing. Allele origin: germline.
Comment: In summary, the available evidence is currently insufficient to determine the role of this variant in disease. Therefore, it has been classified as a Variant of Uncertain Significance. Algorithms developed to predict the effect of missense changes on protein structure and function are either unavailable or do not agree on the potential impact of this missense change (SIFT: "Deleterious"; PolyPhen-2: "Probably Damaging"; Align-GVGD: "Class C0"). This variant has not been reported in the literature in individuals with TSC1-related conditions. This variant is not present in population databases (ExAC no frequency). This sequence change replaces phenylalanine with leucine at codon 199 of the TSC1 protein (p.Phe199Leu). The phenylalanine residue is highly conserved and there is a small physicochemical difference between phenylalanine and leucine.

NM_000368.5(TSC1):c.597C>G (p.Phe199Leu)

Gene: TSC1 (TSC complex subunit 1; minus strand). Cytogenetic location: 9q34.13.
Variant type: single nucleotide variant.
Coding change: c.597C>G on transcript NM_000368.5 (MANE Select); coding-DNA position 597, C replaced by G.
Protein change: p.Phe199Leu; replaces phenylalanine 199 with leucine.
Molecular consequence: missense variant.
Genome position (GRCh38, 1-based): chr9:132,921,885, G>C on the plus strand (C>G on the coding strand, the complement: TSC1 is on the minus strand). VCF-style: chr9-132921885-G-C. GRCh37 (hg19) VCF-style: chr9-135797272-G-C.
Other names: c.597C>G, p.Phe199Leu (NM_001162426.2); c.444C>G, p.Phe148Leu (NM_001162427.2); c.234C>G, p.Phe78Leu (NM_001362177.2); short protein forms F148L, F199L, F78L.
Identifiers: ClinVar variation 1051130 (VCV001051130.9), dbSNP rs202242304, ClinGen allele CA375372536.
Genomic context (GRCh38, chr9:132,921,885, plus strand): 5'-CACTTCTTCAAAAGTCTCCAGGTTTTCTTTCATACTGTAATGAGAACGCAAAAAGGAGAC[G>C]AAGTTGCAAGGGTACATTCCATAAAGGCGATGAAAGAGTGCGTACACACTGGCATGGAGA-3'
Protein context (NP_000359.1, residues 189-209): HRLYGMYPCN[Phe199Leu]VSFLRSHYSM